The following is an entry in ClinVar:

ClinVar aggregate classification (germline): Uncertain significance. Review status: criteria provided, multiple submitters, no conflicts (2 of 4 stars). 3 submissions from 3 submitters: Uncertain significance (3). Last evaluated 2026-03-19.

Conditions:
Neuronal ceroid lipofuscinosis 13 (CLN13). Also called: CLN13 Disease; CEROID LIPOFUSCINOSIS, NEURONAL, 13 (KUFS TYPE). Identifiers: Orphanet 352709, Orphanet 79262, MedGen C3715049, MONDO:0014147, OMIM 615362.
Inborn genetic diseases. Identifiers: MedGen C0950123, MeSH D030342.

Allele frequency attached by ClinVar (database versions not stated): gnomAD exomes 0.00002 and 0.00008; gnomAD 0.00006 and 0.00007; TOPMed 0.00006; ExAC 0.00013; 1000 Genomes Project 0.00020; 1000 Genomes Project 30x 0.00047.

Submissions (4):

GeneDx
Classification: Uncertain significance. Last evaluated: 2026-03-19. Review status: criteria provided, single submitter. Criteria: GeneDx Variant Classification Process June 2021. Collection method: clinical testing. Allele origin: germline.
Comment: In silico analysis supports that this missense variant has a deleterious effect on protein structure/function; In silico analysis supports a deleterious effect on splicing; This variant is associated with the following publications: (PMID: 39720560, 27524508)

Labcorp Genetics (formerly Invitae), Labcorp
Classification: Uncertain significance for Neuronal ceroid lipofuscinosis 13. Last evaluated: 2022-07-06. Review status: criteria provided, single submitter. Criteria: Invitae Variant Classification Sherloc (09022015). Collection method: clinical testing. Allele origin: germline.
Comment: This sequence change replaces glycine, which is neutral and non-polar, with arginine, which is basic and polar, at codon 415 of the CTSF protein (p.Gly415Arg). In summary, the available evidence is currently insufficient to determine the role of this variant in disease. Therefore, it has been classified as a Variant of Uncertain Significance. Algorithms developed to predict the effect of sequence changes on RNA splicing suggest that this variant may create or strengthen a splice site. Algorithms developed to predict the effect of missense changes on protein structure and function are either unavailable or do not agree on the potential impact of this missense change (SIFT: "Deleterious"; PolyPhen-2: "Probably Damaging"; Align-GVGD: "Class C15"). ClinVar contains an entry for this variant (Variation ID: 1506941). This missense change has been observed in individual(s) with clinical features of frontotemporal dementia (PMID: 27524508). This variant is present in population databases (rs200426008, gnomAD 0.03%).

Ambry Genetics
Classification: Uncertain significance for Inborn genetic diseases. Last evaluated: 2020-01-14. Review status: criteria provided, single submitter. Criteria: Ambry Variant Classification Scheme 2023. Collection method: clinical testing. Allele origin: germline.
Comment: The p.G415R variant (also known as c.1243G>A), located in coding exon 11 of the CTSF gene, results from a G to A substitution at nucleotide position 1243. The glycine at codon 415 is replaced by arginine, an amino acid with dissimilar properties. This variant was reported in the homozygous state in siblings with early-onset Alzheimer's disease; however, additional family members were not available for analysis (Bras J et al. Neurobiol. Aging, 2016 10;46:236.e1-6). This amino acid position is highly conserved in available vertebrate species. In addition, this alteration is predicted to be deleterious by in silico analysis. Since supporting evidence is limited at this time, the clinical significance of this alteration remains unclear.

Dr. Peter K. Rogan Lab, Western University
No classification provided (evidence only). Condition: Sarcoma. Review status: no classification provided. Collection method: in vitro. Allele origin: not applicable. Functional consequence: retained intron. Not counted in ClinVar's aggregate classification.

Literature cited by the submitters: PubMed 27524508 (cited by Labcorp Genetics (formerly Invitae), Labcorp and Ambry Genetics).

NM_003793.4(CTSF):c.1243G>A (p.Gly415Arg)

Gene: CTSF (cathepsin F; minus strand). Cytogenetic location: 11q13.2.
Variant type: single nucleotide variant.
Coding change: c.1243G>A on transcript NM_003793.4 (MANE Select); coding-DNA position 1243, G replaced by A.
Protein change: p.Gly415Arg; replaces glycine 415 with arginine.
Molecular consequence: missense variant.
Genome position (GRCh38, 1-based): chr11:66,564,636, C>T on the plus strand (G>A on the coding strand, the complement: CTSF is on the minus strand). VCF-style: chr11-66564636-C-T. GRCh37 (hg19) VCF-style: chr11-66332107-C-T.
Other names: short protein forms G415R.
Identifiers: ClinVar variation 1506941 (VCV001506941.8), dbSNP rs200426008, ClinGen allele CA6125259.